The following is an entry in ClinVar:

NM_002755.4(MAP2K1):c.439-8G>A

Gene: MAP2K1 (mitogen-activated protein kinase kinase 1; plus strand). Cytogenetic location: 15q22.31.
Variant type: single nucleotide variant.
Coding change: c.439-8G>A on transcript NM_002755.4 (MANE Select); 8 bases into the intron before coding-DNA position 439, G replaced by A.
Molecular consequence: intron variant.
Genome position (GRCh38, 1-based): chr15:66,443,272, G>A. VCF-style: chr15-66443272-G-A. GRCh37 (hg19) VCF-style: chr15-66735610-G-A.
Identifiers: ClinVar variation 40751 (VCV000040751.16), dbSNP rs747709090, ClinGen allele CA7623938.

ClinVar aggregate classification (germline): Benign/Likely benign. Review status: criteria provided, multiple submitters, no conflicts (2 of 4 stars). 5 submissions from 5 submitters: Benign (1); Likely benign (3). 1 of the submissions does not count toward it. Last evaluated 2025-07-19.

Conditions:
MAP2K1-related disorder. Also called: MAP2K1-related disorders; MAP2K1-related condition.
RASopathy. Also called: rasopathies; Noonan spectrum disorder. Identifiers: Orphanet 536391, MedGen C5555857, MONDO:0021060.

Allele frequency attached by ClinVar (database versions not stated): ExAC 0.00003; gnomAD exomes 0.00003 and 0.00004; TOPMed 0.00003; gnomAD 0.00004.
gnomAD v4.1: 48 of 1,584,508 alleles (0.003%); highest among the groups gnomAD compares: Middle Eastern, 0.017%; no homozygotes.

Submissions (5):

Labcorp Genetics (formerly Invitae), Labcorp
Classification: Likely benign for RASopathy. Last evaluated: 2025-07-19. Review status: criteria provided, single submitter. Criteria: Invitae Variant Classification Sherloc (09022015). Collection method: clinical testing. Allele origin: germline.

Blueprint Genetics
Classification: Likely benign. Last evaluated: 2024-10-15. Review status: criteria provided, single submitter. Criteria: ACMG Guidelines, 2015. Collection method: clinical testing. Allele origin: germline.

GeneDx
Classification: Benign. Last evaluated: 2015-03-03. Review status: criteria provided, single submitter. Criteria: GeneDx Variant Classification Process June 2021. Collection method: clinical testing. Allele origin: germline. Affected: yes.

Laboratory for Molecular Medicine, Mass General Brigham Personalized Medicine
Classification: Likely benign. Last evaluated: 2015-02-25. Review status: criteria provided, single submitter. Criteria: LMM Criteria. Collection method: clinical testing. Allele origin: germline. Observed: 2 variant alleles.
Comment: c.439-8G>A in intron 3 of MAP2K1: This variant is not expected to have clinical significance because a change at this position does not diverge from the splice consensus sequence and is therefore unlikely to impact splicing. Furthermore, sp lice variants are not a known mechanism of disease for MAP2K1-associated Noonan syndrome. It has been identified in 4/66606 European chromosomes by the Exome Ag gregation Consortium (ExAC).

PreventionGenetics, part of Exact Sciences
Classification: Likely benign for MAP2K1-related condition. Last evaluated: 2020-06-15. Review status: no assertion criteria provided. Collection method: clinical testing. Allele origin: germline. Not counted in ClinVar's aggregate classification.
Comment: This variant is classified as likely benign based on ACMG/AMP sequence variant interpretation guidelines (Richards et al. 2015 PMID: 25741868, with internal and published modifications).